The following is an entry in ClinVar:

ClinVar aggregate classification (germline): Uncertain significance (1 of 4 stars; one submission).

Conditions:
Hereditary spastic paraplegia 11. Also called: Spastic paraplegia, mental retardation and thin corpus callosum; Spastic Paraplegia 11; Nakamura Osame syndrome; Autosomal recessive hereditary spastic paraplegia, mental impairment, and thin corpus callosum; SPASTIC PARAPLEGIA, AUTOSOMAL RECESSIVE, COMPLICATED, WITH THIN CORPUS CALLOSUM; SPASTIC PARAPLEGIA, AUTOSOMAL RECESSIVE, WITH MENTAL IMPAIRMENT AND THIN CORPUS CALLOSUM. Identifiers: Orphanet 2822, MedGen C1858479, MONDO:0011445, OMIM 604360.

Submission:

Labcorp Genetics (formerly Invitae), Labcorp
Classification: Uncertain significance for Hereditary spastic paraplegia 11. Last evaluated: 2022-02-18. Review status: criteria provided, single submitter. Criteria: Invitae Variant Classification Sherloc (09022015). Collection method: clinical testing. Allele origin: germline.
Comment: Algorithms developed to predict the effect of missense changes on protein structure and function output the following: SIFT: "Tolerated"; PolyPhen-2: "Probably Damaging"; Align-GVGD: "Class C0". The lysine amino acid residue is found in multiple mammalian species, which suggests that this missense change does not adversely affect protein function. This variant has not been reported in the literature in individuals affected with SPG11-related conditions. This variant is not present in population databases (gnomAD no frequency). This sequence change replaces asparagine, which is neutral and polar, with lysine, which is basic and polar, at codon 94 of the SPG11 protein (p.Asn94Lys). In summary, the available evidence is currently insufficient to determine the role of this variant in disease. Therefore, it has been classified as a Variant of Uncertain Significance.

NM_025137.4(SPG11):c.282C>G (p.Asn94Lys)

Gene: SPG11 (SPG11 vesicle trafficking associated, spatacsin; minus strand). Cytogenetic location: 15q21.1.
Variant type: single nucleotide variant.
Coding change: c.282C>G on transcript NM_025137.4 (MANE Select); coding-DNA position 282, C replaced by G.
Protein change: p.Asn94Lys; replaces asparagine 94 with lysine.
Molecular consequence: missense variant.
Genome position (GRCh38, 1-based): chr15:44,660,592, G>C on the plus strand (C>G on the coding strand, the complement: SPG11 is on the minus strand). VCF-style: chr15-44660592-G-C. GRCh37 (hg19) VCF-style: chr15-44952790-G-C.
Other names: c.282C>G, p.Asn94Lys (NM_001160227.2, NM_001411132.1); short protein forms N94K.
Identifiers: ClinVar variation 2098439 (VCV002098439.4), dbSNP rs2505776933, ClinGen allele CA392238414.
Genomic context (GRCh38, chr15:44,660,592, plus strand): 5'-AAGCAGTTCATAATTTTCACCAAGAGCGAGCAGTTTGGGCTTTTCAGTTGGTGTGCTGCT[G>C]TTACGAGAATCCTCCCATAGAAAGCTAAGAAAAAAAGTTTAGATTTATTATATTCTATAT-3'
Protein context (NP_079413.3, residues 84-104): FWHFLWEDSR[Asn94Lys]SSTPTEKPKL